The following is an entry in ClinVar:

ClinVar aggregate classification (germline): Uncertain significance. Review status: criteria provided, multiple submitters, no conflicts (2 of 4 stars). 2 submissions from 2 submitters: Uncertain significance (2). Last evaluated 2024-12-28.

Conditions:
Inborn genetic diseases. Identifiers: MedGen C0950123, MeSH D030342.

Allele frequency attached by ClinVar (database versions not stated): gnomAD 0.00001 and 0.00002; ExAC 0.00002; TOPMed 0.00003.
gnomAD v4.1: 113 of 1,613,706 alleles (0.007%); highest among the groups gnomAD compares: Non-Finnish European, 0.0086%; 1 homozygote.

Submissions (2):

Ambry Genetics
Classification: Uncertain significance for Inborn genetic diseases. Last evaluated: 2024-12-28. Review status: criteria provided, single submitter. Criteria: Ambry Variant Classification Scheme 2023. Collection method: clinical testing. Allele origin: germline.

Labcorp Genetics (formerly Invitae), Labcorp
Classification: Uncertain significance. Last evaluated: 2021-09-17. Review status: criteria provided, single submitter. Criteria: Invitae Variant Classification Sherloc (09022015). Collection method: clinical testing. Allele origin: germline.
Comment: This sequence change replaces arginine with histidine at codon 1087 of the MYO5A protein (p.Arg1087His). The arginine residue is moderately conserved and there is a small physicochemical difference between arginine and histidine. This variant is present in population databases (rs779402364, ExAC 0.003%). This variant has not been reported in the literature in individuals affected with MYO5A-related conditions. Algorithms developed to predict the effect of missense changes on protein structure and function (SIFT, PolyPhen-2, Align-GVGD) all suggest that this variant is likely to be tolerated. In summary, the available evidence is currently insufficient to determine the role of this variant in disease. Therefore, it has been classified as a Variant of Uncertain Significance.

NM_001382347.1(MYO5A):c.3260G>A (p.Arg1087His)

Gene: MYO5A (myosin VA; minus strand). Cytogenetic location: 15q21.2.
Variant type: single nucleotide variant.
Coding change: c.3260G>A on transcript NM_001382347.1 (MANE Select); coding-DNA position 3260, G replaced by A.
Protein change: p.Arg1087His; replaces arginine 1087 with histidine.
Molecular consequence: missense variant.
Genome position (GRCh38, 1-based): chr15:52,364,603, C>T on the plus strand (G>A on the coding strand, the complement: MYO5A is on the minus strand). VCF-style: chr15-52364603-C-T. GRCh37 (hg19) VCF-style: chr15-52656800-C-T.
Other names: c.3260G>A, p.Arg1087His (NM_000259.3, NM_001142495.2); c.3332G>A, p.Arg1111His (NM_001382348.1, NM_001382349.1); short protein forms R1111H, R1087H.
Identifiers: ClinVar variation 1401429 (VCV001401429.8), dbSNP rs779402364, ClinGen allele CA7568471.
Genomic context (GRCh38, chr15:52,364,603, plus strand): 5'-GTTTGACTCACCACCATAAGGGTCATCTCTTCCTTGAGGTCATCATATCTTTCTTCCAGG[C>T]GACTGAACTCATTCAGAAGGTTCTGATATCTCAGCCTTTCATCATTAAGGTCGAGTTCCA-3'
Protein context (NP_001369276.1, residues 1077-1097): RYQNLLNEFS[Arg1087His]LEERYDDLKE